The following is an entry in ClinVar:

NM_000289.6(PFKM):c.1303G>A (p.Val435Ile)

Gene: PFKM (phosphofructokinase, muscle; plus strand). Cytogenetic location: 12q13.11.
Variant type: single nucleotide variant.
Coding change: c.1303G>A on transcript NM_000289.6 (MANE Select); coding-DNA position 1303, G replaced by A.
Protein change: p.Val435Ile; replaces valine 435 with isoleucine.
Molecular consequence: missense variant. On other transcripts: non-coding transcript variant (6).
Genome position (GRCh38, 1-based): chr12:48,140,833, G>A. VCF-style: chr12-48140833-G-A. GRCh37 (hg19) VCF-style: chr12-48534616-G-A.
Other names: c.1516G>A, p.Val506Ile (NM_001166686.2, NM_001354737.1, NM_001354738.1 and 1 more transcripts); c.1303G>A, p.Val435Ile (NM_001166687.2, NM_001166688.2, NM_001354742.2 and 2 more transcripts); c.1612G>A, p.Val538Ile (NM_001354735.1, NM_001354736.1); c.1447G>A, p.Val483Ile (NM_001354740.1); c.1327G>A, p.Val443Ile (NM_001354741.2); c.1216G>A, p.Val406Ile (NM_001354745.2); c.1177G>A, p.Val393Ile (NM_001354746.2); c.1153G>A, p.Val385Ile (NM_001354747.2, NM_001354748.2); and 1 more; short protein forms V435I, V385I, V393I, V404I, V443I, V538I, V506I, V406I.
Identifiers: ClinVar variation 501027 (VCV000501027.14), dbSNP rs774425888, ClinGen allele CA6537306.

ClinVar aggregate classification (germline): Uncertain significance. Review status: criteria provided, multiple submitters, no conflicts (2 of 4 stars). 6 submissions from 6 submitters: Uncertain significance (5). 1 of the submissions does not count toward it. Last evaluated 2025-04-21.

Conditions:
Inborn genetic diseases. Identifiers: MedGen C0950123, MeSH D030342.
Glycogen storage disease, type VII (GSD7). Also called: GSD VII; MUSCLE PHOSPHOFRUCTOKINASE DEFICIENCY; PFKM DEFICIENCY; TARUI DISEASE. Identifiers: Orphanet 371, MedGen C0017926, MONDO:0009295, OMIM 232800.

Allele frequency attached by ClinVar (database versions not stated): ExAC 0.00001; gnomAD exomes 0.00002; TOPMed 0.00002; gnomAD 0.00003.

Submissions (6):

Ambry Genetics
Classification: Uncertain significance for Inborn genetic diseases. Last evaluated: 2025-04-21. Review status: criteria provided, single submitter. Criteria: Ambry Variant Classification Scheme 2023. Collection method: clinical testing. Allele origin: germline.

Revvity Omics, Revvity
Classification: Uncertain significance for Glycogen storage disease, type VII. Last evaluated: 2024-02-13. Review status: criteria provided, single submitter. Criteria: ACMG Guidelines, 2015. Collection method: clinical testing. Allele origin: germline.

Blueprint Genetics
Classification: Uncertain significance. Last evaluated: 2023-08-16. Review status: criteria provided, single submitter. Criteria: ACMG Guidelines, 2015. Collection method: clinical testing. Allele origin: germline.

Labcorp Genetics (formerly Invitae), Labcorp
Classification: Uncertain significance for Glycogen storage disease, type VII. Last evaluated: 2022-07-15. Review status: criteria provided, single submitter. Criteria: Invitae Variant Classification Sherloc (09022015). Collection method: clinical testing. Allele origin: germline.
Comment: This sequence change replaces valine, which is neutral and non-polar, with isoleucine, which is neutral and non-polar, at codon 435 of the PFKM protein (p.Val435Ile). This variant is present in population databases (rs774425888, gnomAD 0.006%). This variant has not been reported in the literature in individuals affected with PFKM-related conditions. ClinVar contains an entry for this variant (Variation ID: 501027). Algorithms developed to predict the effect of missense changes on protein structure and function are either unavailable or do not agree on the potential impact of this missense change (SIFT: "Deleterious"; PolyPhen-2: "Benign"; Align-GVGD: "Class C0"). In summary, the available evidence is currently insufficient to determine the role of this variant in disease. Therefore, it has been classified as a Variant of Uncertain Significance.

Eurofins Ntd Llc (ga)
Classification: Uncertain significance. Last evaluated: 2017-04-10. Review status: criteria provided, single submitter. Criteria: EGL Classification Definitions 2015. Collection method: clinical testing. Allele origin: germline. Observed: 1 variant allele, 1 heterozygote.

Natera, Inc.
Classification: Uncertain significance for Glycogen storage disease type VII. Last evaluated: 2020-02-21. Review status: no assertion criteria provided. Collection method: clinical testing. Allele origin: germline. Not counted in ClinVar's aggregate classification.